The following is an entry in ClinVar:

ClinVar aggregate classification (germline): Likely benign (1 of 4 stars; one submission).

Allele frequency attached by ClinVar (database versions not stated): ExAC 0.00026; gnomAD 0.00083.

Submission:

CeGaT Center for Human Genetics Tuebingen
Classification: Likely benign. Last evaluated: 2022-11-01. Review status: criteria provided, single submitter. Criteria: CeGaT Center For Human Genetics Tuebingen Variant Classification Criteria Version 2. Collection method: clinical testing. Allele origin: germline. Affected: yes. Observed: 1 variant allele.
Comment: FAM90A26: BP4, BS2

NM_001358418.3(FAM90A26):c.1150A>G (p.Thr384Ala)

Gene: FAM90A26 (family with sequence similarity 90 member A26; plus strand). Cytogenetic location: 4p16.1.
Variant type: single nucleotide variant.
Coding change: c.1150A>G on transcript NM_001358418.3 (MANE Select); coding-DNA position 1150, A replaced by G.
Protein change: p.Thr384Ala; replaces threonine 384 with alanine.
Molecular consequence: missense variant.
Genome position (GRCh38, 1-based): chr4:9,175,922, A>G. VCF-style: chr4-9175922-A-G. GRCh37 (hg19) VCF-style: chr4-9177648-A-G.
Other names: short protein forms T384A.
Identifiers: ClinVar variation 2654659 (VCV002654659.24), dbSNP rs189545764, ClinGen allele CA2854635.